The following is an entry in ClinVar:

ClinVar aggregate classification (germline): Likely benign (1 of 4 stars; one submission).

Allele frequency attached by ClinVar (database versions not stated): 1000 Genomes Project 30x 0.00859; 1000 Genomes Project 0.00938; TOPMed 0.01422; gnomAD 0.01476 and 0.01544.
gnomAD v4.1: 2,338 of 152,360 alleles (1.5%); highest among the groups gnomAD compares: Non-Finnish European, 2%; 24 homozygotes.

Submission:

GeneDx
Classification: Likely benign. Last evaluated: 2018-06-14. Review status: criteria provided, single submitter. Criteria: GeneDx Variant Classification (06012015). Collection method: clinical testing. Allele origin: germline. Affected: yes.
Comment: This variant is considered likely benign or benign based on one or more of the following criteria: it is a conservative change, it occurs at a poorly conserved position in the protein, it is predicted to be benign by multiple in silico algorithms, and/or has population frequency not consistent with disease.

NM_000393.5(COL5A2):c.2715+213T>C

Gene: COL5A2 (collagen type V alpha 2 chain; minus strand). Cytogenetic location: 2q32.2.
Variant type: single nucleotide variant.
Coding change: c.2715+213T>C on transcript NM_000393.5 (MANE Select); 213 bases into the intron after coding-DNA position 2715, T replaced by C.
Molecular consequence: intron variant.
Genome position (GRCh38, 1-based): chr2:189,052,536, A>G on the plus strand (T>C on the coding strand, the complement: COL5A2 is on the minus strand). VCF-style: chr2-189052536-A-G. GRCh37 (hg19) VCF-style: chr2-189917262-A-G.
Identifiers: ClinVar variation 675758 (VCV000675758.1), dbSNP rs144317055, ClinGen allele CA62596670.